The following is an entry in ClinVar:

NM_031407.7(HUWE1):c.5945A>G (p.Asp1982Gly)

Gene: HUWE1 (HECT, UBA and WWE domain containing E3 ubiquitin protein ligase 1; minus strand). Cytogenetic location: Xp11.22.
Variant type: single nucleotide variant.
Coding change: c.5945A>G on transcript NM_031407.7 (MANE Select); coding-DNA position 5945, A replaced by G.
Protein change: p.Asp1982Gly; replaces aspartic acid 1982 with glycine.
Molecular consequence: missense variant.
Genome position (GRCh38, 1-based): chrX:53,575,728, T>C on the plus strand (A>G on the coding strand, the complement: HUWE1 is on the minus strand). VCF-style: chrX-53575728-T-C. GRCh37 (hg19) VCF-style: chrX-53602688-T-C.
Other names: short protein forms D1982G.
Identifiers: ClinVar variation 2821041 (VCV002821041.3), dbSNP rs2524812620, ClinGen allele CA413171071.
Genomic context (GRCh38, chrX:53,575,728, plus strand): 5'-TCAAAGTCACTGCTCTGACGCGTAAGTGACCGGTACTGCTGGTATACATCATCACCCATG[T>C]CTTGCAGGAGCTGGCCAACCTCTTGGGTCATAACCCCAGGTTTAGGATCAGATTTATCTG-3'
Protein context (NP_113584.3, residues 1972-1992): MTQEVGQLLQ[Asp1982Gly]MGDDVYQQYR

ClinVar aggregate classification (germline): Uncertain significance (1 of 4 stars; one submission).

Submission:

Labcorp Genetics (formerly Invitae), Labcorp
Classification: Uncertain significance. Last evaluated: 2023-05-07. Review status: criteria provided, single submitter. Criteria: Invitae Variant Classification Sherloc (09022015). Collection method: clinical testing. Allele origin: germline.
Comment: In summary, the available evidence is currently insufficient to determine the role of this variant in disease. Therefore, it has been classified as a Variant of Uncertain Significance. Advanced modeling of protein sequence and biophysical properties (such as structural, functional, and spatial information, amino acid conservation, physicochemical variation, residue mobility, and thermodynamic stability) has been performed at Invitae for this missense variant, however the output from this modeling did not meet the statistical confidence thresholds required to predict the impact of this variant on HUWE1 protein function. This variant has not been reported in the literature in individuals affected with HUWE1-related conditions. This variant is not present in population databases (gnomAD no frequency). This sequence change replaces aspartic acid, which is acidic and polar, with glycine, which is neutral and non-polar, at codon 1982 of the HUWE1 protein (p.Asp1982Gly).